The following is an entry in ClinVar:

NM_001323289.2(CDKL5):c.189G>C (p.Met63Ile)

Gene: CDKL5 (cyclin dependent kinase like 5; plus strand). Cytogenetic location: Xp22.13.
Variant type: single nucleotide variant.
Coding change: c.189G>C on transcript NM_001323289.2 (MANE Select); coding-DNA position 189, G replaced by C.
Protein change: p.Met63Ile; replaces methionine 63 with isoleucine.
Molecular consequence: missense variant.
Genome position (GRCh38, 1-based): chrX:18,575,397, G>C. VCF-style: chrX-18575397-G-C. GRCh37 (hg19) VCF-style: chrX-18593517-G-C.
Other names: c.189G>C, p.Met63Ile (NM_001037343.2, NM_003159.3); short protein forms M63I.
Identifiers: ClinVar variation 4789420 (VCV004789420.1).

ClinVar aggregate classification (germline): Uncertain significance (1 of 4 stars; one submission).

Conditions:
Angelman syndrome-like. Identifiers: MedGen CN128785.
Developmental and epileptic encephalopathy, 2 (DEE2). Also called: INFANTILE SPASM SYNDROME, X-LINKED 2; CDKL5 deficiency disorder. Identifiers: Orphanet 1934, Orphanet 3451, Orphanet 505652, MedGen C4750718, MONDO:0010396, OMIM 300672.

Submission:

Labcorp Genetics (formerly Invitae), Labcorp
Classification: Uncertain significance for Developmental and epileptic encephalopathy, 2; Angelman syndrome-like. Last evaluated: 2025-03-13. Review status: criteria provided, single submitter. Criteria: Invitae Variant Classification Sherloc (09022015). Collection method: clinical testing. Allele origin: germline.
Comment: This sequence change replaces methionine, which is neutral and non-polar, with isoleucine, which is neutral and non-polar, at codon 63 of the CDKL5 protein (p.Met63Ile). This variant is not present in population databases (gnomAD no frequency). This variant has not been reported in the literature in individuals affected with CDKL5-related conditions. Invitae Evidence Modeling of protein sequence and biophysical properties (such as structural, functional, and spatial information, amino acid conservation, physicochemical variation, residue mobility, and thermodynamic stability) has been performed for this missense variant. However, the output from this modeling did not meet the statistical confidence thresholds required to predict the impact of this variant on CDKL5 protein function. In summary, the available evidence is currently insufficient to determine the role of this variant in disease. Therefore, it has been classified as a Variant of Uncertain Significance.